The following is an entry in ClinVar:

ClinVar aggregate classification (germline): Likely benign. Review status: criteria provided, multiple submitters, no conflicts (2 of 4 stars). 4 submissions from 4 submitters: Likely benign (4). Last evaluated 2025-08-07.

Conditions:
Hereditary cancer-predisposing syndrome. Also called: Tumor predisposition; Hereditary Cancer Syndrome; Hereditary neoplastic syndrome; Neoplastic Syndromes, Hereditary. Identifiers: Orphanet 140162, MedGen C0027672, MeSH D009386, MONDO:0015356.
Familial adenomatous polyposis 2. Also called: COLORECTAL ADENOMATOUS POLYPOSIS, AUTOSOMAL RECESSIVE; MUTYH Polyposis; MUTYH-associated polyposis; MUTYH-related attenuated familial adenomatous polyposis; Adenomas, multiple colorectal; ADENOMAS, MULTIPLE COLORECTAL, AUTOSOMAL RECESSIVE. Identifiers: Orphanet 220460, Orphanet 247798, MedGen C3272841, MONDO:0012041, OMIM 608456.

Allele frequency attached by ClinVar (database versions not stated): gnomAD exomes below 0.00001 and 0.00001; TOPMed below 0.00001; ExAC 0.00001; gnomAD 0.00001.
gnomAD v4.1: 10 of 1,614,108 alleles (0.00062%); highest among the groups gnomAD compares: South Asian, 0.0077%; no homozygotes.

Submissions (4):

Labcorp Genetics (formerly Invitae), Labcorp
Classification: Likely benign for Familial adenomatous polyposis 2. Last evaluated: 2025-08-07. Review status: criteria provided, single submitter. Criteria: Invitae Variant Classification Sherloc (09022015). Collection method: clinical testing. Allele origin: germline.

All of Us Research Program, National Institutes of Health
Classification: Likely benign for Familial adenomatous polyposis 2. Last evaluated: 2023-03-07. Review status: criteria provided, single submitter. Criteria: ACMG Guidelines, 2015. Collection method: clinical testing. Allele origin: germline. Inheritance: Autosomal recessive inheritance. Observed: 1 variant allele, 1 heterozygote.
Comment: This study involves interpretation of variants in research participants for the purpose of population health screening. Participant phenotype was not available at the time of variant classification. Additional details can be found in publication PMID: 35346344, PMCID: PMC8962531

Ambry Genetics
Classification: Likely benign for Hereditary cancer-predisposing syndrome. Last evaluated: 2017-06-07. Review status: criteria provided, single submitter. Criteria: Ambry Variant Classification Scheme 2023. Collection method: clinical testing. Allele origin: germline.

Color Diagnostics, LLC DBA Color Health
Classification: Likely benign for Hereditary cancer-predisposing syndrome. Last evaluated: 2017-03-27. Review status: criteria provided, single submitter. Criteria: ACMG Guidelines, 2015. Collection method: clinical testing. Allele origin: germline.

NM_001048174.2(MUTYH):c.283C>T (p.Leu95=)

Gene: MUTYH (mutY DNA glycosylase; minus strand). Cytogenetic location: 1p34.1.
Variant type: single nucleotide variant.
Coding change: c.283C>T on transcript NM_001048174.2 (MANE Select); coding-DNA position 283, C replaced by T.
Protein change: p.Leu95=; no amino-acid change (leucine 95 retained).
Molecular consequence: synonymous variant. On other transcripts: non-coding transcript variant (2).
Genome position (GRCh38, 1-based): chr1:45,333,306, G>A on the plus strand (C>T on the coding strand, the complement: MUTYH is on the minus strand). VCF-style: chr1-45333306-G-A. GRCh37 (hg19) VCF-style: chr1-45798978-G-A.
Other names: c.283C>T, p.Leu95= (NM_001048171.2, NM_001048173.2, NM_001293195.2); c.286C>T, p.Leu96= (NM_001048172.2); c.367C>T, p.Leu123= (NM_001128425.2); c.328C>T, p.Leu110= (NM_001293190.2); c.316C>T, p.Leu106= (NM_001293191.2); c.7C>T, p.Leu3= (NM_001293192.2, NM_001293196.2); c.12C>T, p.Thr4= (NM_001350650.2, NM_001350651.2); c.358C>T, p.Leu120= (NM_012222.3).
Identifiers: ClinVar variation 414150 (VCV000414150.17), dbSNP rs764221826, ClinGen allele CA057524.